The following is an entry in ClinVar:

NM_001267550.2(TTN):c.35674G>A (p.Val11892Met)

Gene: TTN (titin; minus strand). Cytogenetic location: 2q31.2.
Variant type: single nucleotide variant.
Coding change: c.35674G>A on transcript NM_001267550.2 (MANE Select); coding-DNA position 35674, G replaced by A.
Protein change: p.Val11892Met; replaces valine 11892 with methionine.
Molecular consequence: missense variant. On other transcripts: intron variant (5).
Genome position (GRCh38, 1-based): chr2:178,667,481, C>T on the plus strand (G>A on the coding strand, the complement: TTN is on the minus strand). VCF-style: chr2-178667481-C-T. GRCh37 (hg19) VCF-style: chr2-179532208-C-T.
Other names: c.13283-25164G>A (NM_003319.4); c.13859-25164G>A (NM_133437.4); c.13658-25164G>A (NM_133432.3); c.31483+2737G>A (NM_133378.4); c.34264+2737G>A (NM_001256850.1); short protein forms V11892M.
Identifiers: ClinVar variation 4976524 (VCV004976524.1).
Genomic context (GRCh38, chr2:178,667,481, plus strand): 5'-TTTGATGTATTTGAAATATACCTTTAGTTGCTGGTGTTTCTCTCTTTTTAGGAATAGTCA[C>T]ATATATTTTGTCTTCTGGAACAACTTTCTTGGGTGGCTCAGGCACTTAAAAGATATGAGT-3'
Protein context (NP_001254479.2, residues 11882-11902): KKVVPEDKIY[Val11892Met]TIPKKRETPA

ClinVar aggregate classification (germline): Uncertain significance (1 of 4 stars; one submission).

gnomAD v4.1: 2 of 1,599,682 alleles (0.00013%); highest among the groups gnomAD compares: African/African-American, 0.0027%; no homozygotes.

Submission:

GeneDx
Classification: Uncertain significance. Last evaluated: 2026-02-11. Review status: criteria provided, single submitter. Criteria: GeneDx Variant Classification Process June 2021. Collection method: clinical testing. Allele origin: germline.
Comment: Not observed at significant frequency in large population cohorts (gnomAD); Missense variant in a gene in which most reported pathogenic variants are truncating/loss of function; Has not been previously published as pathogenic or benign to our knowledge